The following is an entry in ClinVar:

ClinVar aggregate classification (germline): Uncertain significance (1 of 4 stars; one submission).

Submission:

GeneDx
Classification: Uncertain significance. Last evaluated: 2024-07-03. Review status: criteria provided, single submitter. Criteria: GeneDx Variant Classification Process June 2021. Collection method: clinical testing. Allele origin: germline. Affected: yes.
Comment: Not observed at significant frequency in large population cohorts (gnomAD); In silico analysis supports that this missense variant has a deleterious effect on protein structure/function; Has not been previously published as pathogenic or benign to our knowledge

NM_018706.7(DHTKD1):c.832C>G (p.Pro278Ala)

Gene: DHTKD1 (dehydrogenase E1 and transketolase domain containing 1; plus strand). Cytogenetic location: 10p14.
Variant type: single nucleotide variant.
Coding change: c.832C>G on transcript NM_018706.7 (MANE Select); coding-DNA position 832, C replaced by G.
Protein change: p.Pro278Ala; replaces proline 278 with alanine.
Molecular consequence: missense variant.
Genome position (GRCh38, 1-based): chr10:12,089,100, C>G. VCF-style: chr10-12089100-C-G. GRCh37 (hg19) VCF-style: chr10-12131099-C-G.
Other names: short protein forms P278A.
Identifiers: ClinVar variation 3393728 (VCV003393728.1).
Genomic context (GRCh38, chr10:12,089,100, plus strand): 5'-ACTGGAGACGTCCTGTCTCACCTGACCTCCTCTGTGGACCTGTACTTTGGGGCGCACCAT[C>G]CCCTCCATGTGACAATGTTGCCCAATCCCTCGCACCTGGAGGCCGTCAACCCCGTGGCCG-3'
Protein context (NP_061176.4, residues 268-288): SVDLYFGAHH[Pro278Ala]LHVTMLPNPS